The following is an entry in ClinVar:

NM_032242.4(PLXNA1):c.3872G>A (p.Arg1291His)

Gene: PLXNA1 (plexin A1; plus strand). Cytogenetic location: 3q21.3.
Variant type: single nucleotide variant.
Coding change: c.3872G>A on transcript NM_032242.4 (MANE Select); coding-DNA position 3872, G replaced by A.
Protein change: p.Arg1291His; replaces arginine 1291 with histidine.
Molecular consequence: missense variant.
Genome position (GRCh38, 1-based): chr3:127,018,505, G>A. VCF-style: chr3-127018505-G-A. GRCh37 (hg19) VCF-style: chr3-126737348-G-A.
Other names: short protein forms R1291H.
Identifiers: ClinVar variation 4140082 (VCV004140082.2).

ClinVar aggregate classification (germline): Uncertain significance. Review status: criteria provided, multiple submitters, no conflicts (2 of 4 stars). 2 submissions from 2 submitters: Uncertain significance (2). Last evaluated 2026-04-27.

Conditions:
PLXNA1-related disorder. Also called: PLXNA1-related condition.

gnomAD v4.1: 1 of 1,610,696 alleles (0.000062%); no homozygotes.

Submissions (2):

PreventionGenetics, part of Exact Sciences
Classification: Uncertain significance for PLXNA1-related condition. Last evaluated: 2026-04-27. Review status: criteria provided, single submitter. Criteria: ACMG Guidelines, 2015. Collection method: clinical testing. Allele origin: germline.
Comment: The PLXNA1 c.3872G>A variant is predicted to result in the amino acid substitution p.Arg1291His. To our knowledge, this variant has not been reported in the literature. This variant is reported in 0.010% of alleles in individuals of Ashkenazi Jewish descent in gnomAD. At this time, the clinical significance of this variant is uncertain due to the absence of conclusive functional and genetic evidence.

Ambry Genetics
Classification: Uncertain significance. Last evaluated: 2025-08-06. Review status: criteria provided, single submitter. Criteria: Ambry Variant Classification Scheme 2023. Collection method: clinical testing. Allele origin: germline.